The following is an entry in ClinVar:

ClinVar aggregate classification (germline): Uncertain significance (1 of 4 stars; one submission).

Conditions:
Epilepsy. Also called: Seizure disorder. Identifiers: MedGen C0014544, MeSH D004827, MONDO:0005027.

Allele frequency attached by ClinVar (database versions not stated): gnomAD exomes below 0.00001; gnomAD 0.00002 and 0.00003; TOPMed 0.00002.
gnomAD v4.1: 6 of 1,609,840 alleles (0.00037%); highest among the groups gnomAD compares: African/African-American, 0.0067%; no homozygotes.

Submission:

Labcorp Genetics (formerly Invitae), Labcorp
Classification: Uncertain significance for Epilepsy. Last evaluated: 2022-08-09. Review status: criteria provided, single submitter. Criteria: Invitae Variant Classification Sherloc (09022015). Collection method: clinical testing. Allele origin: germline.
Comment: This sequence change falls in intron 7 of the PIGQ gene. It does not directly change the encoded amino acid sequence of the PIGQ protein. It affects a nucleotide within the consensus splice site. In summary, the available evidence is currently insufficient to determine the role of this variant in disease. Therefore, it has been classified as a Variant of Uncertain Significance. Variants that disrupt the consensus splice site are a relatively common cause of aberrant splicing (PMID: 17576681, 9536098). Algorithms developed to predict the effect of sequence changes on RNA splicing suggest that this variant is not likely to affect RNA splicing. ClinVar contains an entry for this variant (Variation ID: 657829). This variant has not been reported in the literature in individuals affected with PIGQ-related conditions. The frequency data for this variant in the population databases is considered unreliable, as metrics indicate poor data quality at this position in the gnomAD database.

Literature cited by the submitters: PubMed 17576681; PubMed 9536098.

NM_004204.5(PIGQ):c.1336-3C>T

Gene: PIGQ (phosphatidylinositol glycan anchor biosynthesis class Q; plus strand). Cytogenetic location: 16p13.3.
Variant type: single nucleotide variant.
Coding change: c.1336-3C>T on transcript NM_004204.5 (MANE Select); 3 bases into the intron before coding-DNA position 1336, C replaced by T.
Molecular consequence: intron variant.
Genome position (GRCh38, 1-based): chr16:580,180, C>T. VCF-style: chr16-580180-C-T. GRCh37 (hg19) VCF-style: chr16-630180-C-T.
Other names: c.1336-3C>T (NM_148920.4).
Identifiers: ClinVar variation 657829 (VCV000657829.10), dbSNP rs1357963752, ClinGen allele CA620192354.